The following is an entry in ClinVar:

NM_000089.4(COL1A2):c.639+4A>T

Gene: COL1A2 (collagen type I alpha 2 chain; plus strand). Cytogenetic location: 7q21.3.
Variant type: single nucleotide variant.
Coding change: c.639+4A>T on transcript NM_000089.4 (MANE Select); 4 bases into the intron after coding-DNA position 639, A replaced by T.
Molecular consequence: intron variant.
Genome position (GRCh38, 1-based): chr7:94,407,895, A>T. VCF-style: chr7-94407895-A-T. GRCh37 (hg19) VCF-style: chr7-94037207-A-T.
Identifiers: ClinVar variation 2936992 (VCV002936992.3), dbSNP rs2484705126, ClinGen allele CA2740097421.

ClinVar aggregate classification (germline): Uncertain significance (1 of 4 stars; one submission).

Conditions:
Osteogenesis imperfecta type I (OI1). Also called: Lobstein disease; OI, TYPE I; OSTEOGENESIS IMPERFECTA TARDA; OSTEOGENESIS IMPERFECTA WITH BLUE SCLERAE; Osteogenesis imperfecta type 1; Lobstein's Disease. Identifiers: Orphanet 216796, Orphanet 666, MedGen C0023931, MONDO:0008146, OMIM 166200. Disease mechanism: loss of function.
Ehlers-Danlos syndrome, classic type, 1 (EDSCL1). Also called: EDS I; EHLERS-DANLOS SYNDROME, GRAVIS TYPE; EHLERS-DANLOS SYNDROME, SEVERE CLASSIC TYPE; Ehlers-Danlos syndrome, type 1; Ehlers-Danlos Syndrome, Classic Type, COL5A1-Related. Identifiers: MedGen C0268335, MONDO:0019567, OMIM 130000.

Submission:

Labcorp Genetics (formerly Invitae), Labcorp
Classification: Uncertain significance for Osteogenesis imperfecta type I; Ehlers-Danlos syndrome, classic type, 1. Last evaluated: 2024-01-30. Review status: criteria provided, single submitter. Criteria: Invitae Variant Classification Sherloc (09022015). Collection method: clinical testing. Allele origin: germline.
Comment: This sequence change falls in intron 13 of the COL1A2 gene. It does not directly change the encoded amino acid sequence of the COL1A2 protein. It affects a nucleotide within the consensus splice site. This variant is not present in population databases (gnomAD no frequency). This variant has not been reported in the literature in individuals affected with COL1A2-related conditions. Variants that disrupt the consensus splice site are a relatively common cause of aberrant splicing (PMID: 17576681, 9536098). Algorithms developed to predict the effect of sequence changes on RNA splicing suggest that this variant is not likely to affect RNA splicing. In summary, the available evidence is currently insufficient to determine the role of this variant in disease. Therefore, it has been classified as a Variant of Uncertain Significance.

Literature cited by the submitters: PubMed 17576681; PubMed 9536098.